The following is an entry in ClinVar:

NM_001252024.2(TRPM1):c.706A>G (p.Asn236Asp)

Gene: TRPM1 (transient receptor potential cation channel subfamily M member 1; minus strand). Cytogenetic location: 15q13.3.
Variant type: single nucleotide variant.
Coding change: c.706A>G on transcript NM_001252024.2 (MANE Select); coding-DNA position 706, A replaced by G.
Protein change: p.Asn236Asp; replaces asparagine 236 with aspartic acid.
Molecular consequence: missense variant.
Genome position (GRCh38, 1-based): chr15:31,066,160, T>C on the plus strand (A>G on the coding strand, the complement: TRPM1 is on the minus strand). VCF-style: chr15-31066160-T-C. GRCh37 (hg19) VCF-style: chr15-31358363-T-C.
Other names: c.757A>G, p.Asn253Asp (NM_001252020.2); c.640A>G, p.Asn214Asp (NM_002420.6); short protein forms N253D, N214D, N236D.
Identifiers: ClinVar variation 2043339 (VCV002043339.4), dbSNP rs978695806, ClinGen allele CA267498895.
Genomic context (GRCh38, chr15:31,066,160, plus strand): 5'-TGTGCTTTTCCAGCAGCCTTCGCAGCTTCACCTCGGCGCCATACTTGCCCAGGGTGCCAT[T>C]GTCAGCCAGGATGAAGTGGGTGTGGGAGTTGTTGAGCACAGAGAGCTTACTTAGAGGGTT-3'
Protein context (NP_001238953.1, residues 226-246): NSHTHFILAD[Asn236Asp]GTLGKYGAEV

ClinVar aggregate classification (germline): Uncertain significance (1 of 4 stars; one submission).

Allele frequency attached by ClinVar (database versions not stated): gnomAD 0.00001; TOPMed 0.00001.
gnomAD v4.1: 2 of 1,614,070 alleles (0.00012%); highest among the groups gnomAD compares: Non-Finnish European, 0.00017%; no homozygotes.

Submission:

Labcorp Genetics (formerly Invitae), Labcorp
Classification: Uncertain significance. Last evaluated: 2021-12-15. Review status: criteria provided, single submitter. Criteria: Invitae Variant Classification Sherloc (09022015). Collection method: clinical testing. Allele origin: germline.
Comment: In summary, the available evidence is currently insufficient to determine the role of this variant in disease. Therefore, it has been classified as a Variant of Uncertain Significance. Algorithms developed to predict the effect of missense changes on protein structure and function are either unavailable or do not agree on the potential impact of this missense change (SIFT: "Deleterious"; PolyPhen-2: "Benign"; Align-GVGD: "Class C15"). This sequence change replaces asparagine, which is neutral and polar, with aspartic acid, which is acidic and polar, at codon 214 of the TRPM1 protein (p.Asn214Asp). This variant is present in population databases (no rsID available, gnomAD 0.0009%). This variant has not been reported in the literature in individuals affected with TRPM1-related conditions.